The following is an entry in ClinVar:

NM_000059.4(BRCA2):c.5633dup (p.Asn1878fs)

Gene: BRCA2 (BRCA2 DNA repair associated; plus strand). Cytogenetic location: 13q13.1.
Variant type: Duplication.
Coding change: c.5633dup on transcript NM_000059.4 (MANE Select); coding-DNA position 5633, one base duplicated (A; older notation c.5633dupA).
Protein change: p.Asn1878fs; shifts the reading frame from asparagine 1878.
Molecular consequence: frameshift variant.
Genome position (GRCh38, 1-based): chr13:32,339,988, A duplicated; the last of 2 consecutive A bases (chr13:32,339,987-32,339,988); duplicating either gives the same sequence. VCF-style (leftmost placement, unchanged base first): chr13-32339986-C-CA. GRCh37 (hg19) VCF-style: chr13-32914123-C-CA.
Other names: short protein forms N1878fs.
Identifiers: ClinVar variation 2982314 (VCV002982314.3), dbSNP rs2548531352, ClinGen allele CA2499222208.

ClinVar aggregate classification (germline): Pathogenic (1 of 4 stars; one submission).

Conditions:
Hereditary breast ovarian cancer syndrome. Also called: Hereditary breast and ovarian cancer; Hereditary breast and ovarian cancer syndrome (HBOC); Breast and ovarian cancer; Hereditary breast and/or ovarian cancer syndrome; Hereditary breast and ovarian cancer syndrome; BRCA1- and BRCA2-Associated Hereditary Breast and Ovarian Cancer. Identifiers: Orphanet 145, MedGen C0677776, MeSH D061325, MONDO:0003582. Disease mechanism: loss of function.

Submission:

Labcorp Genetics (formerly Invitae), Labcorp
Classification: Pathogenic for Hereditary breast ovarian cancer syndrome. Last evaluated: 2023-08-07. Review status: criteria provided, single submitter. Criteria: Invitae Variant Classification Sherloc (09022015). Collection method: clinical testing. Allele origin: germline.
Comment: For these reasons, this variant has been classified as Pathogenic. This premature translational stop signal has been observed in individual(s) with breast cancer and/or prostate cancer (PMID: 31871109, 32832836). This variant is not present in population databases (gnomAD no frequency). This sequence change creates a premature translational stop signal (p.Asn1878Lysfs*4) in the BRCA2 gene. It is expected to result in an absent or disrupted protein product. Loss-of-function variants in BRCA2 are known to be pathogenic (PMID: 20104584).

Literature cited by the submitters: PubMed 31871109; PubMed 32832836; PubMed 20104584.